The following is an entry in ClinVar:

ClinVar aggregate classification (germline): Benign/Likely benign. Review status: criteria provided, multiple submitters, no conflicts (2 of 4 stars). 3 submissions from 3 submitters: Benign (2); Likely benign (1). Last evaluated 2021-09-29.

Conditions:
Auriculocondylar syndrome 2 (ARCND2A). Also called: AURICULOCONDYLAR SYNDROME 2A. Identifiers: Orphanet 137888, MedGen C3553404, MONDO:0013845, OMIM 614669.

Allele frequency attached by ClinVar (database versions not stated): gnomAD 0.00026 and 0.00041; gnomAD exomes 0.00033 and 0.00090; TOPMed 0.00049; ExAC 0.00092; 1000 Genomes Project 30x 0.00281; 1000 Genomes Project 0.00339.
gnomAD v4.1: 542 of 1,613,462 alleles (0.034%); highest among the groups gnomAD compares: East Asian, 1.2%; 3 homozygotes.

Submissions (3):

Fulgent Genetics
Classification: Likely benign for Auriculocondylar syndrome 2. Last evaluated: 2021-09-29. Review status: criteria provided, single submitter. Criteria: ACMG Guidelines, 2015. Collection method: clinical testing. Allele origin: unknown.

Labcorp Genetics (formerly Invitae), Labcorp
Classification: Benign. Last evaluated: 2018-01-24. Review status: criteria provided, single submitter. Criteria: Invitae Variant Classification Sherloc (09022015). Collection method: clinical testing. Allele origin: germline.

Illumina Laboratory Services, Illumina
Classification: Benign for Auriculocondylar syndrome 2. Last evaluated: 2018-01-13. Review status: criteria provided, single submitter. Criteria: ICSL Variant Classification Criteria 13 December 2019. Collection method: clinical testing. Allele origin: germline.
Comment: This variant was observed in the ICSL laboratory as part of a predisposition screen in an ostensibly healthy population. It had not been previously curated by ICSL or reported in the Human Gene Mutation Database (HGMD: prior to June 1st, 2018), and was therefore a candidate for classification through an automated scoring system. Utilizing variant allele frequency, disease prevalence and penetrance estimates, and inheritance mode, an automated score was calculated to assess if this variant is too frequent to cause the disease. Based on the score and internal cut-off values, a variant classified as benign is not then subjected to further curation. The score for this variant resulted in a classification of benign for this disease.

NM_001377142.1(PLCB4):c.3122A>G (p.Asn1041Ser)

Gene: PLCB4 (phospholipase C beta 4; plus strand). Cytogenetic location: 20p12.2.
Variant type: single nucleotide variant.
Coding change: c.3122A>G on transcript NM_001377142.1 (MANE Select); coding-DNA position 3122, A replaced by G.
Protein change: p.Asn1041Ser; replaces asparagine 1041 with serine.
Molecular consequence: missense variant.
Genome position (GRCh38, 1-based): chr20:9,459,684, A>G. VCF-style: chr20-9459684-A-G. GRCh37 (hg19) VCF-style: chr20-9440331-A-G.
Other names: c.3086A>G, p.Asn1029Ser (NM_000933.4, NM_001377134.2, NM_001377135.1 and 2 more transcripts); c.3122A>G, p.Asn1041Ser (NM_001172646.2, NM_001377143.1); short protein forms N1029S, N1041S.
Identifiers: ClinVar variation 339591 (VCV000339591.9), dbSNP rs147312767, ClinGen allele CA9761605.